The following is an entry in ClinVar:

ClinVar aggregate classification (germline): Uncertain significance. Review status: criteria provided, multiple submitters, no conflicts (2 of 4 stars). 2 submissions from 2 submitters: Uncertain significance (2). Last evaluated 2024-03-05.

Conditions:
RYR1-related disorder. Also called: RYR1-related disorders; RYR1-related condition. Identifiers: MedGen CN239331.
Malignant hyperthermia, susceptibility to, 1 (MHS1). Also called: RYR1-Related Malignant Hyperthermia Susceptibility; Malignant hyperthermia suceptibility 1; Anesthesia related hyperthermia; Malignant hyperpyrexia; Fulminating hyperpyrexia; Pharmacogenic myopathy. Identifiers: Orphanet 423, MedGen C2930980, MONDO:0007783, OMIM 145600.

gnomAD v4.1: 2 of 1,609,632 alleles (0.00012%); highest among the groups gnomAD compares: Non-Finnish European, 0.00017%; no homozygotes.

Submissions (2):

All of Us Research Program, National Institutes of Health
Classification: Uncertain significance for Malignant hyperthermia, susceptibility to, 1. Last evaluated: 2024-03-05. Review status: criteria provided, single submitter. Criteria: ACMG Guidelines, 2015. Collection method: clinical testing. Allele origin: germline. Inheritance: Autosomal dominant inheritance. Observed: 1 variant allele, 1 heterozygote.
Comment: This study involves interpretation of variants in research participants for the purpose of population health screening. Participant phenotype was not available at the time of variant classification. Additional details can be found in publication PMID: 35346344, PMCID: PMC8962531

Labcorp Genetics (formerly Invitae), Labcorp
Classification: Uncertain significance for RYR1-related disorder. Last evaluated: 2022-05-04. Review status: criteria provided, single submitter. Criteria: Invitae Variant Classification Sherloc (09022015). Collection method: clinical testing. Allele origin: germline.
Comment: In summary, the available evidence is currently insufficient to determine the role of this variant in disease. Therefore, it has been classified as a Variant of Uncertain Significance. Advanced modeling of protein sequence and biophysical properties (such as structural, functional, and spatial information, amino acid conservation, physicochemical variation, residue mobility, and thermodynamic stability) performed at Invitae indicates that this missense variant is not expected to disrupt RYR1 protein function. This variant has not been reported in the literature in individuals affected with RYR1-related conditions. This variant is not present in population databases (gnomAD no frequency). This sequence change replaces methionine, which is neutral and non-polar, with threonine, which is neutral and polar, at codon 959 of the RYR1 protein (p.Met959Thr).

NM_000540.3(RYR1):c.2876T>C (p.Met959Thr)

Gene: RYR1 (ryanodine receptor 1; plus strand). Cytogenetic location: 19q13.2.
Variant type: single nucleotide variant.
Coding change: c.2876T>C on transcript NM_000540.3 (MANE Select); coding-DNA position 2876, T replaced by C.
Protein change: p.Met959Thr; replaces methionine 959 with threonine.
Molecular consequence: missense variant.
Genome position (GRCh38, 1-based): chr19:38,466,096, T>C. VCF-style: chr19-38466096-T-C. GRCh37 (hg19) VCF-style: chr19-38956736-T-C.
Other names: c.2876T>C, p.Met959Thr (NM_001042723.2); short protein forms M959T.
Identifiers: ClinVar variation 2193343 (VCV002193343.5), dbSNP rs1395684761, ClinGen allele CA405634617.
Genomic context (GRCh38, chr19:38,466,096, plus strand): 5'-GAGCCCGGAAGTGGAGGTGAGGGCCTTGTCCCATGGAGCCCTACCATGCCCGCAGGTATA[T>C]GATGAGCAATGGGTACAAGCCGGCTCCGCTGGACCTGAGCCACGTGCGGCTGACGCCGGC-3'
Protein context (NP_000531.2, residues 949-969): LKKTKLPKTY[Met959Thr]MSNGYKPAPL